The following is an entry in ClinVar:

NM_000057.4(BLM):c.2644A>T (p.Ile882Phe)

Gene: BLM (BLM RecQ like helicase; plus strand). Cytogenetic location: 15q26.1.
Variant type: single nucleotide variant.
Coding change: c.2644A>T on transcript NM_000057.4 (MANE Select); coding-DNA position 2644, A replaced by T.
Protein change: p.Ile882Phe; replaces isoleucine 882 with phenylalanine.
Molecular consequence: missense variant.
Genome position (GRCh38, 1-based): chr15:90,782,910, A>T. VCF-style: chr15-90782910-A-T. GRCh37 (hg19) VCF-style: chr15-91326140-A-T.
Other names: c.2644A>T, p.Ile882Phe (NM_001287246.2, NM_001287247.2); c.1519A>T, p.Ile507Phe (NM_001287248.2); short protein forms I882F, I507F.
Identifiers: ClinVar variation 5032883 (VCV005032883.1).
Genomic context (GRCh38, chr15:90,782,910, plus strand): 5'-CTGAAATACTATGTATTACCGAAAAAGCCTAAAAAGGTGGCATTTGATTGCCTAGAATGG[A>T]TCAGAAAGCACCACCCATGTGAGTACAGCCATGTGATTAGCTGTCTAGAAGTAACAAATG-3'
Protein context (NP_000048.1, residues 872-892): KKVAFDCLEW[Ile882Phe]RKHHPYDSGI

ClinVar aggregate classification (germline): Uncertain significance (1 of 4 stars; one submission).

Conditions:
Hereditary cancer-predisposing syndrome. Also called: Neoplastic Syndromes, Hereditary; Tumor predisposition; Hereditary neoplastic syndrome; Hereditary Cancer Syndrome. Identifiers: Orphanet 140162, MedGen C0027672, MeSH D009386, MONDO:0015356.

Submission:

Ambry Genetics
Classification: Uncertain significance for Hereditary cancer-predisposing syndrome. Last evaluated: 2026-07-06. Review status: criteria provided, single submitter. Criteria: Ambry Variant Classification Scheme 2023. Collection method: clinical testing. Allele origin: germline.
Comment: The p.I882F variant (also known as c.2644A>T), located in coding exon 12 of the BLM gene, results from an A to T substitution at nucleotide position 2644. The isoleucine at codon 882 is replaced by phenylalanine, an amino acid with highly similar properties. This amino acid position is conserved. In addition, this alteration is predicted to be deleterious by in silico analysis. Based on the available evidence, the clinical significance of this variant remains unclear.